The following is an entry in ClinVar:

ClinVar aggregate classification (germline): Conflicting classifications of pathogenicity. Review status: criteria provided, conflicting classifications (1 of 4 stars). 7 submissions from 7 submitters: Uncertain significance (4); Likely benign (3). Last evaluated 2025-10-11.

Conditions:
Hereditary cancer-predisposing syndrome. Also called: Hereditary Cancer Syndrome; Neoplastic Syndromes, Hereditary; Tumor predisposition; Hereditary neoplastic syndrome. Identifiers: Orphanet 140162, MedGen C0027672, MeSH D009386, MONDO:0015356.
Fanconi anemia complementation group J. Also called: BRIP1-Related Fanconi Anemia. Identifiers: Orphanet 84, MedGen C1836860, MONDO:0012187, OMIM 609054.
Familial cancer of breast. Also called: Hereditary breast cancer; hereditary breast carcinoma; BREAST CANCER, FAMILIAL. Identifiers: Orphanet 227535, MedGen C0346153, MONDO:0016419, OMIM 114480. Disease mechanism: loss of function.

Allele frequency attached by ClinVar (database versions not stated): gnomAD 0.00001; gnomAD exomes 0.00001 and 0.00005; TOPMed 0.00001; ExAC 0.00002; 1000 Genomes Project 30x 0.00016; 1000 Genomes Project 0.00020.
gnomAD v4.1: 16 of 1,614,074 alleles (0.00099%); highest among the groups gnomAD compares: East Asian, 0.036%; no homozygotes.

Submissions (7):

Labcorp Genetics (formerly Invitae), Labcorp
Classification: Likely benign for Familial cancer of breast; Fanconi anemia complementation group J. Last evaluated: 2025-10-11. Review status: criteria provided, single submitter. Criteria: Invitae Variant Classification Sherloc (09022015). Collection method: clinical testing. Allele origin: germline.

Baylor Genetics
Classification: Uncertain significance for Familial cancer of breast. Last evaluated: 2023-10-10. Review status: criteria provided, single submitter. Criteria: ACMG Guidelines, 2015. Collection method: clinical testing. Allele origin: unknown.

GeneDx
Classification: Uncertain significance. Last evaluated: 2023-06-29. Review status: criteria provided, single submitter. Criteria: GeneDx Variant Classification Process June 2021. Collection method: clinical testing. Allele origin: germline. Affected: yes.
Comment: In silico analysis supports that this missense variant has a deleterious effect on protein structure/function; Observed in cases and controls in a colorectal cancer study, as well as an individual with esophageal cancer in published literature (Deng et al., 2019; Fujita et al., 2020); This variant is associated with the following publications: (PMID: 25401301, 30833958, 32091409, 33309985)

St. Jude Molecular Pathology, St. Jude Children's Research Hospital
Classification: Uncertain significance for Familial cancer of breast. Last evaluated: 2022-08-02. Review status: criteria provided, single submitter. Criteria: St. Jude Assertion Criteria 2020. Collection method: clinical testing. Allele origin: germline.
Comment: The BRIP1 c.1688A>G (p.Asp563Gly) missense change has a maximum subpopulation frequency of 0.071% in gnomAD v2.1.1. The in silico tool REVEL is inconclusive about a pathogenic or benign effect of this variant on protein function, and to our knowledge functional studies have not been performed. To our knowledge, this variant has not been reported in individuals with hereditary breast and ovarian cancer or Fanconi anemia. In summary, the evidence currently available is insufficient to determine the role of this variant in disease. It has therefore been classified as of uncertain significance.

Women's Health and Genetics/Laboratory Corporation of America, LabCorp
Classification: Uncertain significance. Last evaluated: 2022-03-14. Review status: criteria provided, single submitter. Criteria: LabCorp Variant Classification Summary - May 2015. Collection method: clinical testing. Allele origin: germline.
Comment: Variant summary: BRIP1 c.1688A>G (p.Asp563Gly) results in a non-conservative amino acid change in the encoded protein sequence. Three of five in-silico tools predict a benign effect of the variant on protein function. The variant allele was found at a frequency of 5.2e-05 in 251378 control chromosomes. This frequency is not significantly higher than estimated for a pathogenic variant in BRIP1 causing Hereditary Breast And Ovarian Cancer Syndrome (5.2e-05 vs 6.3e-05), allowing no conclusion about variant significance. To our knowledge, no occurrence of c.1688A>G in individuals affected with Hereditary Breast And Ovarian Cancer Syndrome and no experimental evidence demonstrating its impact on protein function have been reported. Three clinical diagnostic laboratories have submitted clinical-significance assessments for this variant to ClinVar after 2014 without evidence for independent evaluation (VUS, n=2; Likely benign, n=1). Based on the evidence outlined above, the variant was classified as uncertain significance.

Color Diagnostics, LLC DBA Color Health
Classification: Likely benign for Hereditary cancer-predisposing syndrome. Last evaluated: 2021-03-18. Review status: criteria provided, single submitter. Criteria: ACMG Guidelines, 2015. Collection method: clinical testing. Allele origin: germline.

Ambry Genetics
Classification: Likely benign for Hereditary cancer-predisposing syndrome. Last evaluated: 2021-03-10. Review status: criteria provided, single submitter. Criteria: Ambry Variant Classification Scheme 2023. Collection method: clinical testing. Allele origin: germline.

Literature cited by the submitters: PubMed 25401301 (cited by Women's Health and Genetics/Laboratory Corporation of America, LabCorp); PubMed 30833958 (cited by Ambry Genetics); PubMed 33309985 (cited by Ambry Genetics).

NM_032043.3(BRIP1):c.1688A>G (p.Asp563Gly)

Gene: BRIP1 (BRCA1 interacting DNA helicase 1; minus strand). Cytogenetic location: 17q23.2.
Variant type: single nucleotide variant.
Coding change: c.1688A>G on transcript NM_032043.3 (MANE Select); coding-DNA position 1688, A replaced by G.
Protein change: p.Asp563Gly; replaces aspartic acid 563 with glycine.
Molecular consequence: missense variant.
Genome position (GRCh38, 1-based): chr17:61,780,946, T>C on the plus strand (A>G on the coding strand, the complement: BRIP1 is on the minus strand). VCF-style: chr17-61780946-T-C. GRCh37 (hg19) VCF-style: chr17-59858307-T-C.
Other names: short protein forms D563G.
Identifiers: ClinVar variation 232167 (VCV000232167.23), dbSNP rs577768294, ClinGen allele CA8690687.